The following is an entry in ClinVar:

ClinVar aggregate classification (germline): Uncertain significance (1 of 4 stars; one submission).

Allele frequency attached by ClinVar (database versions not stated): gnomAD 0.00001; TOPMed 0.00001.

Submission:

Labcorp Genetics (formerly Invitae), Labcorp
Classification: Uncertain significance. Last evaluated: 2022-09-05. Review status: criteria provided, single submitter. Criteria: Invitae Variant Classification Sherloc (09022015). Collection method: clinical testing. Allele origin: germline.
Comment: This variant is not present in population databases (gnomAD no frequency). In summary, the available evidence is currently insufficient to determine the role of this variant in disease. Therefore, it has been classified as a Variant of Uncertain Significance. Variants that disrupt the consensus splice site are a relatively common cause of aberrant splicing (PMID: 17576681, 9536098). Algorithms developed to predict the effect of sequence changes on RNA splicing suggest that this variant is not likely to affect RNA splicing. This variant has not been reported in the literature in individuals affected with CLCN7-related conditions. This sequence change falls in intron 22 of the CLCN7 gene. It does not directly change the encoded amino acid sequence of the CLCN7 protein. It affects a nucleotide within the consensus splice site.

Literature cited by the submitters: PubMed 17576681; PubMed 9536098.

NM_001287.6(CLCN7):c.2073+3G>A

Gene: CLCN7 (chloride voltage-gated channel 7; minus strand). Cytogenetic location: 16p13.3.
Variant type: single nucleotide variant.
Coding change: c.2073+3G>A on transcript NM_001287.6 (MANE Select); 3 bases into the intron after coding-DNA position 2073, G replaced by A.
Molecular consequence: intron variant.
Genome position (GRCh38, 1-based): chr16:1,447,652, C>T on the plus strand (G>A on the coding strand, the complement: CLCN7 is on the minus strand). VCF-style: chr16-1447652-C-T. GRCh37 (hg19) VCF-style: chr16-1497653-C-T.
Other names: c.2001+3G>A (NM_001114331.3).
Identifiers: ClinVar variation 2010236 (VCV002010236.4), dbSNP rs1398359665, ClinGen allele CA718307900.